The following is an entry in ClinVar:

ClinVar aggregate classification (germline): Uncertain significance. Review status: criteria provided, multiple submitters, no conflicts (2 of 4 stars). 2 submissions from 2 submitters: Uncertain significance (2). Last evaluated 2025-06-21.

Conditions:
Rhabdoid tumor predisposition syndrome 2 (RTPS2). Identifiers: Orphanet 231108, Orphanet 69077, MedGen C2750074, MONDO:0013224, OMIM 613325.
Hereditary cancer-predisposing syndrome. Also called: Hereditary neoplastic syndrome; Neoplastic Syndromes, Hereditary; Tumor predisposition; Hereditary Cancer Syndrome. Identifiers: Orphanet 140162, MedGen C0027672, MeSH D009386, MONDO:0015356.

Submissions (2):

Ambry Genetics
Classification: Uncertain significance for Hereditary cancer-predisposing syndrome. Last evaluated: 2025-06-21. Review status: criteria provided, single submitter. Criteria: Ambry Variant Classification Scheme 2023. Collection method: clinical testing. Allele origin: germline.
Comment: The p.N291D variant (also known as c.871A>G), located in coding exon 5 of the SMARCA4 gene, results from an A to G substitution at nucleotide position 871. The asparagine at codon 291 is replaced by aspartic acid, an amino acid with highly similar properties. This amino acid position is conserved. In addition, this alteration is predicted to be tolerated by in silico analysis. Based on the available evidence, the clinical significance of this variant remains unclear.

Labcorp Genetics (formerly Invitae), Labcorp
Classification: Uncertain significance for Rhabdoid tumor predisposition syndrome 2. Last evaluated: 2022-09-07. Review status: criteria provided, single submitter. Criteria: Invitae Variant Classification Sherloc (09022015). Collection method: clinical testing. Allele origin: germline.
Comment: In summary, the available evidence is currently insufficient to determine the role of this variant in disease. Therefore, it has been classified as a Variant of Uncertain Significance. Algorithms developed to predict the effect of missense changes on protein structure and function are either unavailable or do not agree on the potential impact of this missense change (SIFT: "Deleterious"; PolyPhen-2: "Benign"; Align-GVGD: "Class C15"). ClinVar contains an entry for this variant (Variation ID: 470467). This variant has not been reported in the literature in individuals affected with SMARCA4-related conditions. This variant is not present in population databases (gnomAD no frequency). This sequence change replaces asparagine, which is neutral and polar, with aspartic acid, which is acidic and polar, at codon 291 of the SMARCA4 protein (p.Asn291Asp).

NM_003072.5(SMARCA4):c.871A>G (p.Asn291Asp)

Gene: SMARCA4 (SWI/SNF related BAF chromatin remodeling complex subunit ATPase 4; plus strand). Cytogenetic location: 19p13.2.
Variant type: single nucleotide variant.
Coding change: c.871A>G on transcript NM_003072.5 (MANE Select); coding-DNA position 871, A replaced by G.
Protein change: p.Asn291Asp; replaces asparagine 291 with aspartic acid.
Molecular consequence: missense variant. On other transcripts: non-coding transcript variant (1).
Genome position (GRCh38, 1-based): chr19:10,987,677, A>G. VCF-style: chr19-10987677-A-G. GRCh37 (hg19) VCF-style: chr19-11098353-A-G.
Other names: c.871A>G, p.Asn291Asp (NM_001128844.3, NM_001128845.2, NM_001128846.2 and 5 more transcripts); short protein forms N291D.
Identifiers: ClinVar variation 470467 (VCV000470467.10), dbSNP rs1555754777, ClinGen allele CA404058322.